The following is an entry in ClinVar:

ClinVar aggregate classification (germline): Uncertain significance. Review status: criteria provided, multiple submitters, no conflicts (2 of 4 stars). 2 submissions from 2 submitters: Uncertain significance (2). Last evaluated 2024-08-23.

Conditions:
Intellectual disability, autosomal recessive 53 (NEDHSCA). Also called: NEURODEVELOPMENTAL DISORDER WITH OR WITHOUT HYPOTONIA, SEIZURES, AND CEREBELLAR ATROPHY; GLYCOSYLPHOSPHATIDYLINOSITOL BIOSYNTHESIS DEFECT 13; Mental retardation, autosomal recessive 53. Identifiers: Orphanet 488635, MedGen C4310794, MONDO:0014832, OMIM 616917.

Allele frequency attached by ClinVar (database versions not stated): gnomAD exomes 0.00001; ExAC 0.00002.
gnomAD v4.1: 18 of 1,614,076 alleles (0.0011%); highest among the groups gnomAD compares: Middle Eastern, 0.016%; no homozygotes.

Submissions (2):

Blueprint Genetics
Classification: Uncertain significance. Last evaluated: 2024-08-23. Review status: criteria provided, single submitter. Criteria: ACMG Guidelines, 2015. Collection method: clinical testing. Allele origin: germline.

Labcorp Genetics (formerly Invitae), Labcorp
Classification: Uncertain significance for Intellectual disability, autosomal recessive 53. Last evaluated: 2021-08-14. Review status: criteria provided, single submitter. Criteria: Invitae Variant Classification Sherloc (09022015). Collection method: clinical testing. Allele origin: germline.
Comment: This sequence change replaces threonine with methionine at codon 558 of the PIGG protein (p.Thr558Met). The threonine residue is moderately conserved and there is a moderate physicochemical difference between threonine and methionine. This variant is present in population databases (rs755701436, ExAC 0.003%). This variant has not been reported in the literature in individuals affected with PIGG-related conditions. Algorithms developed to predict the effect of missense changes on protein structure and function are either unavailable or do not agree on the potential impact of this missense change (SIFT: "Tolerated"; PolyPhen-2: "Probably Damaging"; Align-GVGD: "Class C0"). In summary, the available evidence is currently insufficient to determine the role of this variant in disease. Therefore, it has been classified as a Variant of Uncertain Significance.

NM_001127178.3(PIGG):c.1673C>T (p.Thr558Met)

Gene: PIGG (phosphatidylinositol glycan anchor biosynthesis class G (EMM blood group); plus strand). Cytogenetic location: 4p16.3.
Variant type: single nucleotide variant.
Coding change: c.1673C>T on transcript NM_001127178.3 (MANE Select); coding-DNA position 1673, C replaced by T.
Protein change: p.Thr558Met; replaces threonine 558 with methionine.
Molecular consequence: missense variant. On other transcripts: non-coding transcript variant (7).
Genome position (GRCh38, 1-based): chr4:523,517, C>T. VCF-style: chr4-523517-C-T. GRCh37 (hg19) VCF-style: chr4-517306-C-T.
Other names: c.1406C>T, p.Thr469Met (NM_001289051.2, NM_001345986.2); c.1274C>T, p.Thr425Met (NM_001289052.2); c.1382C>T, p.Thr461Met (NM_001345987.2); c.644C>T, p.Thr215Met (NM_001345988.2); c.140C>T, p.Thr47Met (NM_001345990.2, NM_001345991.2); c.575C>T, p.Thr192Met (NM_001345994.2); c.1649C>T, p.Thr550Met (NM_017733.5); short protein forms T461M, T47M, T215M, T425M, T469M, T550M, T192M, T558M.
Identifiers: ClinVar variation 1378672 (VCV001378672.6), dbSNP rs755701436, ClinGen allele CA2793429.